The following is an entry in ClinVar:

NM_006294.5(UQCRB):c.324G>T (p.Trp108Cys)

Gene: UQCRB (ubiquinol-cytochrome c reductase binding protein; minus strand). Cytogenetic location: 8q22.1.
Variant type: single nucleotide variant.
Coding change: c.324G>T on transcript NM_006294.5 (MANE Select); coding-DNA position 324, G replaced by T.
Protein change: p.Trp108Cys; replaces tryptophan 108 with cysteine.
Molecular consequence: missense variant. On other transcripts: 3 prime UTR variant (1), non-coding transcript variant (1).
Genome position (GRCh38, 1-based): chr8:96,231,067, C>A on the plus strand (G>T on the coding strand, the complement: UQCRB is on the minus strand). VCF-style: chr8-96231067-C-A. GRCh37 (hg19) VCF-style: chr8-97243295-C-A.
Other names: p.W108C:TGG>TGT; p.Trp108Cys; c.228G>T, p.Trp76Cys (NM_001199975.3); c.*38G>T (NM_001254752.2); c.324G>T (NM_006294.4); short protein forms W108C, W76C.
Identifiers: ClinVar variation 215347 (VCV000215347.6), dbSNP rs863224258, ClinGen allele CA320848.

ClinVar aggregate classification (germline): Conflicting classifications of pathogenicity. Review status: criteria provided, conflicting classifications (1 of 4 stars). 3 submissions from 3 submitters: Likely pathogenic (1); Uncertain significance (2). Last evaluated 2024-12-28.

Allele frequency attached by ClinVar (database versions not stated): gnomAD exomes 0.00001.
gnomAD v4.1: 36 of 1,613,282 alleles (0.0022%); highest among the groups gnomAD compares: Middle Eastern, 0.072%; 1 homozygote.

Submissions (3):

Mayo Clinic Laboratories, Mayo Clinic
Classification: Uncertain significance. Last evaluated: 2024-12-28. Review status: criteria provided, single submitter. Criteria: ACMG Guidelines, 2015. Collection method: clinical testing. Allele origin: germline. Observed: 1 variant allele.
Comment: PM2_supporting

Labcorp Genetics (formerly Invitae), Labcorp
Classification: Uncertain significance. Last evaluated: 2024-12-03. Review status: criteria provided, single submitter. Criteria: Invitae Variant Classification Sherloc (09022015). Collection method: clinical testing. Allele origin: germline.
Comment: This sequence change replaces tryptophan, which is neutral and slightly polar, with cysteine, which is neutral and slightly polar, at codon 108 of the UQCRB protein (p.Trp108Cys). This variant is not present in population databases (gnomAD no frequency). This variant has not been reported in the literature in individuals affected with UQCRB-related conditions. ClinVar contains an entry for this variant (Variation ID: 215347). Experimental studies and prediction algorithms are not available or were not evaluated, and the functional significance of this variant is currently unknown. In summary, the available evidence is currently insufficient to determine the role of this variant in disease. Therefore, it has been classified as a Variant of Uncertain Significance.

GeneDx
Classification: Likely pathogenic. Last evaluated: 2014-07-15. Review status: criteria provided, single submitter. Criteria: GeneDx Variant Classification (06012015). Collection method: clinical testing. Allele origin: germline. Affected: yes.
Comment: p.Trp108Cys (TGG>TGT): c.324 G>T in exon 4 of the UQCRB gene (NM_006294.3). The W108C likely pathogenic variant identified in the UQCRB gene has not been published as a mutation, nor has it been reported as a benign polymorphism to our knowledge. The W108C variant is a non-conservative amino acid substitution, which is likely to impact secondary protein structure as these residues differ in polarity, charge, size and/or other properties. This substitution occurs at a position that is highly conserved across species. In silico analysis predicts this variant is probably damaging to the protein structure/function. Therefore, this variant is a strong candidate for a pathogenic mutation, however the possibility that it is a benign variant cannot be excluded. The variant is found in MITONUC-MITOP panel(s).

Literature cited by the submitters: PubMed 31589614 (cited by Mayo Clinic Laboratories, Mayo Clinic).